The following is an entry in ClinVar:

ClinVar aggregate classification (germline): Uncertain significance. Review status: criteria provided, multiple submitters, no conflicts (2 of 4 stars). 2 submissions from 2 submitters: Uncertain significance (2). Last evaluated 2025-12-29.

Conditions:
Hereditary cancer-predisposing syndrome. Also called: Tumor predisposition; Hereditary Cancer Syndrome; Hereditary neoplastic syndrome; Neoplastic Syndromes, Hereditary. Identifiers: Orphanet 140162, MedGen C0027672, MeSH D009386, MONDO:0015356.
Ataxia-telangiectasia syndrome (AT). Also called: Ataxia telangiectasia (A-T); LOUIS-BAR SYNDROME; Cerebello-oculocutaneous telangiectasia; Immunodeficiency with ataxia telangiectasia; Ataxia-telangiectasia, complementation group D; AT, COMPLEMENTATION GROUP C. Identifiers: Orphanet 100, MedGen C0004135, MONDO:0008840, OMIM 208900.

Submissions (2):

Ambry Genetics
Classification: Uncertain significance for Hereditary cancer-predisposing syndrome. Last evaluated: 2025-12-29. Review status: criteria provided, single submitter. Criteria: Ambry Variant Classification Scheme 2023. Collection method: clinical testing. Allele origin: germline.
Comment: The p.K1698R variant (also known as c.5093A>G), located in coding exon 33 of the ATM gene, results from an A to G substitution at nucleotide position 5093. The lysine at codon 1698 is replaced by arginine, an amino acid with highly similar properties. In an assay testing ATM function, this variant showed a functionally indeterminant result (Lee KS et al. Cell, 2025 Sep;188:5081-5099). This amino acid position is well conserved in available vertebrate species. In addition, this alteration is predicted to be tolerated by in silico analysis. Based on the available evidence, the clinical significance of this variant remains unclear.

Labcorp Genetics (formerly Invitae), Labcorp
Classification: Uncertain significance for Ataxia-telangiectasia syndrome. Last evaluated: 2023-10-22. Review status: criteria provided, single submitter. Criteria: Invitae Variant Classification Sherloc (09022015). Collection method: clinical testing. Allele origin: germline.
Comment: This sequence change replaces lysine, which is basic and polar, with arginine, which is basic and polar, at codon 1698 of the ATM protein (p.Lys1698Arg). This variant is not present in population databases (gnomAD no frequency). This variant has not been reported in the literature in individuals affected with ATM-related conditions. An algorithm developed to predict the effect of missense changes on protein structure and function (PolyPhen-2) suggests that this variant is likely to be tolerated. Algorithms developed to predict the effect of sequence changes on RNA splicing suggest that this variant may create or strengthen a splice site. In summary, the available evidence is currently insufficient to determine the role of this variant in disease. Therefore, it has been classified as a Variant of Uncertain Significance.

Literature cited by the submitters: PubMed 40580951 (cited by Ambry Genetics).

NM_000051.4(ATM):c.5093A>G (p.Lys1698Arg)

Gene: ATM (ATM serine/threonine kinase; plus strand). Cytogenetic location: 11q22.3.
Variant type: single nucleotide variant.
Coding change: c.5093A>G on transcript NM_000051.4 (MANE Select); coding-DNA position 5093, A replaced by G.
Protein change: p.Lys1698Arg; replaces lysine 1698 with arginine.
Molecular consequence: missense variant.
Genome position (GRCh38, 1-based): chr11:108,299,801, A>G. VCF-style: chr11-108299801-A-G. GRCh37 (hg19) VCF-style: chr11-108170528-A-G.
Other names: c.5093A>G, p.Lys1698Arg (NM_001351834.2); short protein forms K1698R.
Identifiers: ClinVar variation 2770888 (VCV002770888.4), dbSNP rs1591702557, ClinGen allele CA382540694.